The following is an entry in ClinVar:

NM_001009944.3(PKD1):c.12292_12308dup (p.Val4104fs)

Gene: PKD1 (polycystin 1, transient receptor potential channel interacting; minus strand). Cytogenetic location: 16p13.3.
Variant type: Duplication.
Coding change: c.12292_12308dup on transcript NM_001009944.3 (MANE Select); coding-DNA positions 12292 to 12308, 17 bases duplicated (GCCCTACGGCTGGGGGC).
Protein change: p.Val4104fs; shifts the reading frame from valine 4104.
Molecular consequence: frameshift variant.
Genome position (GRCh38, 1-based): chr16:2,090,421-2,090,437, GCCCCCAGCCGTAGGGC duplicated on the plus strand (GCCCTACGGCTGGGGGC on the coding strand, the reverse complement: PKD1 is on the minus strand); duplicating any 17 consecutive bases within chr16:2,090,421-2,090,442 gives the same sequence; the c. name uses the placement nearest the transcript's 3' end. VCF-style (leftmost placement, unchanged base first): chr16-2090420-A-AGCCCCCAGCCGTAGGGC. GRCh37 (hg19) VCF-style: chr16-2140421-A-AGCCCCCAGCCGTAGGGC.
Other names: c.12289_12305dup, p.Val4103fs (NM_000296.4); short protein forms V4103fs, V4104fs.
Identifiers: ClinVar variation 4074738 (VCV004074738.1).

ClinVar aggregate classification (germline): Likely pathogenic (1 of 4 stars; one submission).

Conditions:
Polycystic kidney disease, adult type (PKD1). Also called: POLYCYSTIC KIDNEY DISEASE, ADULT, TYPE I; Polycystic Kidney Disease 1, Autosomal Dominant; Polycystic kidney disease 1; Polycystic kidney disease 1, severe; POLYCYSTIC KIDNEY DISEASE 1 WITH OR WITHOUT POLYCYSTIC LIVER DISEASE; Polycystic Kidney, Autosomal Dominant. Identifiers: MedGen C3149841, MONDO:0008263, OMIM 173900.

Submission:

Institute of Immunology and Genetics Kaiserslautern
Classification: Likely pathogenic for Polycystic kidney disease, adult type. Last evaluated: 2025-06-12. Review status: criteria provided, single submitter. Criteria: ACMG Guidelines, 2015. Collection method: clinical testing. Allele origin: germline.
Comment: ACMG Criteria: PVS1, PM2; Variant was found in heterozygous state.